The following is an entry in ClinVar:

ClinVar aggregate classification (germline): Uncertain significance (1 of 4 stars; one submission).

Conditions:
Renal cell carcinoma. Identifiers: Orphanet 217071, MedGen C0007134, MeSH D002292, MONDO:0005086, HP:0005584.

Submission:

Labcorp Genetics (formerly Invitae), Labcorp
Classification: Uncertain significance for Renal cell carcinoma. Last evaluated: 2019-10-29. Review status: criteria provided, single submitter. Criteria: Invitae Variant Classification Sherloc (09022015). Collection method: clinical testing. Allele origin: germline.
Comment: In summary, the available evidence is currently insufficient to determine the role of this variant in disease. Therefore, it has been classified as a Variant of Uncertain Significance. Algorithms developed to predict the effect of missense changes on protein structure and function are either unavailable or do not agree on the potential impact of this missense change (SIFT: "Deleterious"; PolyPhen-2: "Probably Damaging"; Align-GVGD: "Class C0"). This variant has not been reported in the literature in individuals with MET-related conditions. This variant is not present in population databases (ExAC no frequency). This sequence change replaces valine with leucine at codon 1352 of the MET protein (p.Val1352Leu). The valine residue is highly conserved and there is a small physicochemical difference between valine and leucine.

NM_000245.4(MET):c.4000G>T (p.Val1334Leu)

Gene: MET (MET proto-oncogene, receptor tyrosine kinase; plus strand). Cytogenetic location: 7q31.2.
Variant type: single nucleotide variant.
Coding change: c.4000G>T on transcript NM_000245.4 (MANE Select); coding-DNA position 4000, G replaced by T.
Protein change: p.Val1334Leu; replaces valine 1334 with leucine.
Molecular consequence: missense variant.
Genome position (GRCh38, 1-based): chr7:116,795,951, G>T. VCF-style: chr7-116795951-G-T. GRCh37 (hg19) VCF-style: chr7-116436005-G-T.
Other names: c.4054G>T, p.Val1352Leu (NM_001127500.3); c.2710G>T, p.Val904Leu (NM_001324402.2); short protein forms V1352L, V1334L, V904L.
Identifiers: ClinVar variation 960114 (VCV000960114.9), dbSNP rs1795657629, ClinGen allele CA369118188.